The following is an entry in ClinVar:

NM_003410.4(ZFX):c.2321A>G (p.Tyr774Cys)

Gene: ZFX (zinc finger protein X-linked; plus strand). Cytogenetic location: Xp22.11.
Variant type: single nucleotide variant.
Coding change: c.2321A>G on transcript NM_003410.4 (MANE Select); coding-DNA position 2321, A replaced by G.
Protein change: p.Tyr774Cys; replaces tyrosine 774 with cysteine.
Molecular consequence: missense variant. On other transcripts: 3 prime UTR variant (1).
Genome position (GRCh38, 1-based): chrX:24,211,279, A>G. VCF-style: chrX-24211279-A-G. GRCh37 (hg19) VCF-style: chrX-24229396-A-G.
Other names: p.Tyr774Cys; c.2321A>G, p.Tyr774Cys (NM_001178084.2, NM_001178085.1); c.1634A>G, p.Tyr545Cys (NM_001178086.2); c.*1081A>G (NM_001178095.2); c.2438A>G, p.Tyr813Cys (NM_001330327.2); short protein forms Y774C, Y545C, Y813C.
Identifiers: ClinVar variation 3066050 (VCV003066050.4), dbSNP rs2519900660, ClinGen allele CA412530357.

ClinVar aggregate classification (germline): Pathogenic. Review status: criteria provided, multiple submitters, no conflicts (2 of 4 stars). 3 submissions from 3 submitters: Pathogenic (2). 1 of the submissions does not count toward it. Last evaluated 2024-12-13.

Conditions:
Intellectual developmental disorder, X-linked, syndromic 37. Identifiers: MedGen C5935567, MONDO:0958322, OMIM 301118.

Submissions (3):

GeneDx
Classification: Pathogenic. Last evaluated: 2024-12-13. Review status: criteria provided, single submitter. Criteria: GeneDx Variant Classification Process June 2021. Collection method: clinical testing. Allele origin: germline. Affected: yes.
Comment: Not observed at significant frequency in large population cohorts (gnomAD); In silico analysis supports that this missense variant has a deleterious effect on protein structure/function; This variant is associated with the following publications: (PMID: 38325380)

Undiagnosed Diseases Network, NIH
Classification: Pathogenic for Intellectual developmental disorder, X-linked, syndromic 37. Last evaluated: 2024-07-02. Review status: criteria provided, single submitter. Criteria: ACMG Guidelines, 2015. Collection method: clinical testing. Allele origin: maternal. Inheritance: X-linked inheritance. Affected: yes. Observed: 1 hemizygote. Study: Undiagnosed Diseases Network (NIH), UDN.

OMIM
Classification: Pathogenic for INTELLECTUAL DEVELOPMENTAL DISORDER, X-LINKED, SYNDROMIC 37. Last evaluated: 2024-04-02. Review status: no assertion criteria provided. Collection method: literature only. Allele origin: germline. Not counted in ClinVar's aggregate classification.

Literature cited by the submitters: PubMed 38325380 (cited by OMIM).